The following is an entry in ClinVar:

ClinVar aggregate classification (germline): Uncertain significance. Review status: criteria provided, multiple submitters, no conflicts (2 of 4 stars). 2 submissions from 2 submitters: Uncertain significance (2). Last evaluated 2025-09-08.

Conditions:
Inborn genetic diseases. Identifiers: MedGen C0950123, MeSH D030342.

Allele frequency attached by ClinVar (database versions not stated): TOPMed 0.00002; gnomAD 0.00002; gnomAD exomes 0.00003.
gnomAD v4.1: 39 of 1,522,982 alleles (0.0026%); highest among the groups gnomAD compares: Middle Eastern, 0.55%; no homozygotes.

Submissions (2):

Labcorp Genetics (formerly Invitae), Labcorp
Classification: Uncertain significance. Last evaluated: 2025-09-08. Review status: criteria provided, single submitter. Criteria: Invitae Variant Classification Sherloc (09022015). Collection method: clinical testing. Allele origin: germline.
Comment: This sequence change replaces arginine, which is basic and polar, with cysteine, which is neutral and slightly polar, at codon 1495 of the MAST1 protein (p.Arg1495Cys). This variant is present in population databases (no rsID available, gnomAD 0.004%). This variant has not been reported in the literature in individuals affected with MAST1-related conditions. ClinVar contains an entry for this variant (Variation ID: 2376720). An algorithm developed to predict the effect of missense changes on protein structure and function outputs the following: PolyPhen-2: "Benign". The cysteine amino acid residue is found in multiple mammalian species, which suggests that this missense change does not adversely affect protein function. In summary, the available evidence is currently insufficient to determine the role of this variant in disease. Therefore, it has been classified as a Variant of Uncertain Significance.

Ambry Genetics
Classification: Uncertain significance for Inborn genetic diseases. Last evaluated: 2025-08-04. Review status: criteria provided, single submitter. Criteria: Ambry Variant Classification Scheme 2023. Collection method: clinical testing. Allele origin: germline.

NM_014975.3(MAST1):c.4483C>T (p.Arg1495Cys)

Gene: MAST1 (microtubule associated serine/threonine kinase 1; plus strand). Cytogenetic location: 19p13.13.
Variant type: single nucleotide variant.
Coding change: c.4483C>T on transcript NM_014975.3 (MANE Select); coding-DNA position 4483, C replaced by T.
Protein change: p.Arg1495Cys; replaces arginine 1495 with cysteine.
Molecular consequence: missense variant.
Genome position (GRCh38, 1-based): chr19:12,874,640, C>T. VCF-style: chr19-12874640-C-T. GRCh37 (hg19) VCF-style: chr19-12985454-C-T.
Other names: short protein forms R1495C.
Identifiers: ClinVar variation 2376720 (VCV002376720.6), dbSNP rs868483913, ClinGen allele CA305495875.